The following is an entry in ClinVar:

ClinVar aggregate classification (germline): Uncertain significance (1 of 4 stars; one submission).

Allele frequency attached by ClinVar (database versions not stated): gnomAD exomes below 0.00001; gnomAD 0.00001; TOPMed 0.00001.
gnomAD v4.1: 4 of 1,611,598 alleles (0.00025%); highest among the groups gnomAD compares: Non-Finnish European, 0.00034%; no homozygotes.

Submission:

Labcorp Genetics (formerly Invitae), Labcorp
Classification: Uncertain significance. Last evaluated: 2022-01-15. Review status: criteria provided, single submitter. Criteria: Invitae Variant Classification Sherloc (09022015). Collection method: clinical testing. Allele origin: germline.
Comment: This variant has not been reported in the literature in individuals affected with KIAA1549-related conditions. This sequence change replaces serine, which is neutral and polar, with phenylalanine, which is neutral and non-polar, at codon 1671 of the KIAA1549 protein (p.Ser1671Phe). This variant is not present in population databases (gnomAD no frequency). ClinVar contains an entry for this variant (Variation ID: 933303). Algorithms developed to predict the effect of missense changes on protein structure and function are either unavailable or do not agree on the potential impact of this missense change (SIFT: "Deleterious"; PolyPhen-2: "Probably Damaging"; Align-GVGD: "Class C0"). In summary, the available evidence is currently insufficient to determine the role of this variant in disease. Therefore, it has been classified as a Variant of Uncertain Significance.

NM_001164665.2(KIAA1549):c.5012C>T (p.Ser1671Phe)

Gene: KIAA1549 (KIAA1549; minus strand). Cytogenetic location: 7q34.
Variant type: single nucleotide variant.
Coding change: c.5012C>T on transcript NM_001164665.2 (MANE Select); coding-DNA position 5012, C replaced by T.
Protein change: p.Ser1671Phe; replaces serine 1671 with phenylalanine.
Molecular consequence: missense variant.
Genome position (GRCh38, 1-based): chr7:138,861,374, G>A on the plus strand (C>T on the coding strand, the complement: KIAA1549 is on the minus strand). VCF-style: chr7-138861374-G-A. GRCh37 (hg19) VCF-style: chr7-138546120-G-A.
Other names: c.5012C>T, p.Ser1671Phe (NM_020910.3); short protein forms S1671F.
Identifiers: ClinVar variation 933303 (VCV000933303.8), dbSNP rs914714655, ClinGen allele CA167144202.